The following is an entry in ClinVar:

ClinVar aggregate classification (germline): Uncertain significance (1 of 4 stars; one submission).

Conditions:
EGFR-related lung cancer (EGFR). Identifiers: MedGen CN130014.

Submission:

Labcorp Genetics (formerly Invitae), Labcorp
Classification: Uncertain significance for EGFR-related lung cancer. Last evaluated: 2019-09-29. Review status: criteria provided, single submitter. Criteria: Invitae Variant Classification Sherloc (09022015). Collection method: clinical testing. Allele origin: germline.
Comment: In summary, the available evidence is currently insufficient to determine the role of this variant in disease. Therefore, it has been classified as a Variant of Uncertain Significance. Algorithms developed to predict the effect of sequence changes on RNA splicing suggest that this variant may create or strengthen a splice site, but this prediction has not been confirmed by published transcriptional studies. Algorithms developed to predict the effect of missense changes on protein structure and function are either unavailable or do not agree on the potential impact of this missense change (SIFT: "Deleterious"; PolyPhen-2: "Probably Damaging"; Align-GVGD: "Class C0"). This variant has not been reported in the literature in individuals with EGFR-related conditions. This variant is not present in population databases (ExAC no frequency). This sequence change replaces leucine with valine at codon 747 of the EGFR protein (p.Leu747Val). The leucine residue is highly conserved and there is a small physicochemical difference between leucine and valine.

NM_005228.5(EGFR):c.2239T>G (p.Leu747Val)

Gene: EGFR (epidermal growth factor receptor; plus strand). Cytogenetic location: 7p11.2.
Variant type: single nucleotide variant.
Coding change: c.2239T>G on transcript NM_005228.5 (MANE Select); coding-DNA position 2239, T replaced by G.
Protein change: p.Leu747Val; replaces leucine 747 with valine.
Molecular consequence: missense variant.
Genome position (GRCh38, 1-based): chr7:55,174,776, T>G. VCF-style: chr7-55174776-T-G. GRCh37 (hg19) VCF-style: chr7-55242469-T-G.
Other names: c.2104T>G, p.Leu702Val (NM_001346897.2, NM_001346899.2); c.2239T>G, p.Leu747Val (NM_001346898.2); c.2080T>G, p.Leu694Val (NM_001346900.2); c.1438T>G, p.Leu480Val (NM_001346941.2); short protein forms L480V, L694V, L702V, L747V.
Identifiers: ClinVar variation 943147 (VCV000943147.9), dbSNP rs397517095, ClinGen allele CA367584153.